The following is an entry in ClinVar:

ClinVar aggregate classification (germline): Benign. Review status: criteria provided, multiple submitters, no conflicts (2 of 4 stars). 3 submissions from 3 submitters: Benign (3). Last evaluated 2026-02-01.

Conditions:
Retinitis pigmentosa (RP). Identifiers: Orphanet 791, MedGen C0035334, MeSH D012174, MONDO:0019200, OMIM 268000. Inheritance: Autosomal dominant, autosomal recessive and X linked inheritance.

Allele frequency attached by ClinVar (database versions not stated): gnomAD exomes 0.00663 and 0.01641; ExAC 0.01836; gnomAD 0.05264 and 0.05626; ESP Exome Variant Server 0.05286; 1000 Genomes Project 0.06010; TOPMed 0.06093; 1000 Genomes Project 30x 0.06480.

Submissions (3):

Labcorp Genetics (formerly Invitae), Labcorp
Classification: Benign. Last evaluated: 2026-02-01. Review status: criteria provided, single submitter. Criteria: Invitae Variant Classification Sherloc (09022015). Collection method: clinical testing. Allele origin: germline.

Illumina Laboratory Services, Illumina
Classification: Benign for Retinitis pigmentosa. Last evaluated: 2018-01-13. Review status: criteria provided, single submitter. Criteria: ICSL Variant Classification Criteria 13 December 2019. Collection method: clinical testing. Allele origin: germline.
Comment: This variant was observed in the ICSL laboratory as part of a predisposition screen in an ostensibly healthy population. It had not been previously curated by ICSL or reported in the Human Gene Mutation Database (HGMD: prior to June 1st, 2018), and was therefore a candidate for classification through an automated scoring system. Utilizing variant allele frequency, disease prevalence and penetrance estimates, and inheritance mode, an automated score was calculated to assess if this variant is too frequent to cause the disease. Based on the score and internal cut-off values, a variant classified as benign is not then subjected to further curation. The score for this variant resulted in a classification of benign for this disease.

Breakthrough Genomics
Classification: Benign. Review status: criteria provided, single submitter. Criteria: ACMG Guidelines, 2015. Collection method: not provided. Allele origin: germline. Inheritance: Unknown mechanism. Affected: yes.

NM_001029883.3(PCARE):c.37A>T (p.Ser13Cys)

Gene: PCARE (photoreceptor cilium actin regulator; minus strand). Cytogenetic location: 2p23.2.
Variant type: single nucleotide variant.
Coding change: c.37A>T on transcript NM_001029883.3 (MANE Select); coding-DNA position 37, A replaced by T.
Protein change: p.Ser13Cys; replaces serine 13 with cysteine.
Molecular consequence: missense variant.
Genome position (GRCh38, 1-based): chr2:29,074,225, T>A on the plus strand (A>T on the coding strand, the complement: PCARE is on the minus strand). VCF-style: chr2-29074225-T-A. GRCh37 (hg19) VCF-style: chr2-29297091-T-A.
Other names: short protein forms S13C.
Identifiers: ClinVar variation 335675 (VCV000335675.14), dbSNP rs10084168, ClinGen allele CA1592738.